The following is an entry in ClinVar:

ClinVar aggregate classification (germline): Likely benign. Review status: criteria provided, multiple submitters, no conflicts (2 of 4 stars). 2 submissions from 2 submitters: Likely benign (2). Last evaluated 2026-07-07.

Conditions:
Rhabdoid tumor predisposition syndrome 2 (RTPS2). Identifiers: Orphanet 231108, Orphanet 69077, MedGen C2750074, MONDO:0013224, OMIM 613325.

gnomAD v4.1: 3 of 1,612,316 alleles (0.00019%); highest among the groups gnomAD compares: East Asian, 0.0022%; no homozygotes.

Submissions (2):

Myriad Genetics, Inc.
Classification: Likely benign for Rhabdoid tumor predisposition syndrome 2. Last evaluated: 2026-07-07. Review status: criteria provided, single submitter. Criteria: Myriad Autosomal Dominant, Autosomal Recessive and X-Linked Classification Criteria (2023). Collection method: clinical testing. Allele origin: unknown.
Comment: This variant is considered likely benign. This variant is intronic and is not expected to impact mRNA splicing.

Labcorp Genetics (formerly Invitae), Labcorp
Classification: Likely benign for Rhabdoid tumor predisposition syndrome 2. Last evaluated: 2025-04-23. Review status: criteria provided, single submitter. Criteria: Invitae Variant Classification Sherloc (09022015). Collection method: clinical testing. Allele origin: germline.

NM_003072.5(SMARCA4):c.2274+10G>C

Gene: SMARCA4 (SWI/SNF related BAF chromatin remodeling complex subunit ATPase 4; plus strand). Cytogenetic location: 19p13.2.
Variant type: single nucleotide variant.
Coding change: c.2274+10G>C on transcript NM_003072.5 (MANE Select); 10 bases into the intron after coding-DNA position 2274, G replaced by C.
Molecular consequence: intron variant.
Genome position (GRCh38, 1-based): chr19:11,010,541, G>C. VCF-style: chr19-11010541-G-C. GRCh37 (hg19) VCF-style: chr19-11121217-G-C.
Other names: c.2274+10G>C (NM_001128844.3, NM_001128849.3, NM_001128847.4 and 4 more transcripts).
Identifiers: ClinVar variation 721337 (VCV000721337.9), dbSNP rs1414642513, ClinGen allele CA915951670.
Genomic context (GRCh38, chr19:11,010,541, plus strand): 5'-GTGGACAAGCAGTCAGCGCTTATGGTCAATGGTGTCCTCAAACAGTACCAGGTGAGGTAG[G>C]GGGTGGGGAGGCCACCGCCACGTAGCTGCCTCGGTGCAGGTGTTCCCAGGTGGTGCGGGC-3'